The following is an entry in ClinVar:

ClinVar aggregate classification (germline): Uncertain significance (1 of 4 stars; one submission).

Submission:

Labcorp Genetics (formerly Invitae), Labcorp
Classification: Uncertain significance. Last evaluated: 2025-08-17. Review status: criteria provided, single submitter. Criteria: Invitae Variant Classification Sherloc (09022015). Collection method: clinical testing. Allele origin: germline.
Comment: This sequence change replaces methionine, which is neutral and non-polar, with threonine, which is neutral and polar, at codon 214 of the ARHGEF1 protein (p.Met214Thr). This variant is present in population databases (rs782031945, gnomAD 0.02%). This variant has not been reported in the literature in individuals affected with ARHGEF1-related conditions. ClinVar contains an entry for this variant (Variation ID: 3714387). An algorithm developed to predict the effect of missense changes on protein structure and function outputs the following: PolyPhen-2: "Benign". The threonine amino acid residue is found in multiple mammalian species, which suggests that this missense change does not adversely affect protein function. In summary, the available evidence is currently insufficient to determine the role of this variant in disease. Therefore, it has been classified as a Variant of Uncertain Significance.

NM_004706.4(ARHGEF1):c.596T>C (p.Met199Thr)

Gene: ARHGEF1 (Rho guanine nucleotide exchange factor 1; plus strand). Cytogenetic location: 19q13.2.
Variant type: single nucleotide variant.
Coding change: c.596T>C on transcript NM_004706.4 (MANE Select); coding-DNA position 596, T replaced by C.
Protein change: p.Met199Thr; replaces methionine 199 with threonine.
Molecular consequence: missense variant. On other transcripts: non-coding transcript variant (2).
Genome position (GRCh38, 1-based): chr19:41,892,831, T>C. VCF-style: chr19-41892831-T-C. GRCh37 (hg19) VCF-style: chr19-42396902-T-C.
Other names: c.596T>C, p.Met199Thr (NM_001396000.1, NM_001396003.1, NM_001396006.1); c.497T>C, p.Met166Thr (NM_001396002.1, NM_001396004.1, NM_198977.2); c.641T>C, p.Met214Thr (NM_199002.2); short protein forms M166T, M214T, M199T.
Identifiers: ClinVar variation 3714387 (VCV003714387.2).